The following is an entry in ClinVar:

ClinVar aggregate classification (germline): Pathogenic. Review status: criteria provided, multiple submitters, no conflicts (2 of 4 stars). 3 submissions from 3 submitters: Pathogenic (2). 1 of the submissions does not count toward it. Last evaluated 2023-02-23.

Conditions:
Neurofibromatosis, type 1 (NF1). Also called: VON RECKLINGHAUSEN DISEASE; NEUROFIBROMATOSIS, TYPE I, SOMATIC; Peripheral type neurofibromatosis; Neurofibromatosis, type I. Identifiers: Orphanet 636, MedGen C0027831, MONDO:0018975, OMIM 162200. Disease mechanism: loss of function.

Submissions (3):

3billion
Classification: Pathogenic for Neurofibromatosis, type 1. Last evaluated: 2023-02-23. Review status: criteria provided, single submitter. Criteria: ACMG Guidelines, 2015. Collection method: clinical testing. Allele origin: unknown. Affected: yes.
Comment: The variant is not observed in the gnomAD v2.1.1 dataset. This variant was predicted to result in a loss or disruption of normal protein function through nonsense-mediated decay (NMD) or protein truncation. Multiple pathogenic variants are reported downstream of the variant. The variant has been reported to be associated with NF1 related disorder (ClinVar ID: VCV000000367 / PMID: 12438263). Therefore, this variant is classified as Pathogenic according to the recommendation of ACMG/AMP guideline.

Labcorp Genetics (formerly Invitae), Labcorp
Classification: Pathogenic for Neurofibromatosis, type 1. Last evaluated: 2022-07-01. Review status: criteria provided, single submitter. Criteria: Invitae Variant Classification Sherloc (09022015). Collection method: clinical testing. Allele origin: germline.
Comment: For these reasons, this variant has been classified as Pathogenic. ClinVar contains an entry for this variant (Variation ID: 367). This variant is also known as delT 3775. This premature translational stop signal has been observed in individual(s) with neurofibromatosis type I (PMID: 12438263). This variant is not present in population databases (gnomAD no frequency). This sequence change creates a premature translational stop signal (p.Ser1262Leufs*4) in the NF1 gene. It is expected to result in an absent or disrupted protein product. Loss-of-function variants in NF1 are known to be pathogenic (PMID: 10712197, 23913538).

OMIM
Classification: Pathogenic for NEUROFIBROMATOSIS, TYPE I. Last evaluated: 2004-10-01. Review status: no assertion criteria provided. Collection method: literature only. Allele origin: germline. Not counted in ClinVar's aggregate classification.

Literature cited by the submitters: PubMed 12438263 (cited by 3 submitters); PubMed 10712197 (cited by Labcorp Genetics (formerly Invitae), Labcorp); PubMed 23913538 (cited by Labcorp Genetics (formerly Invitae), Labcorp); PubMed 15338462 (cited by OMIM).

NM_001042492.3(NF1):c.3784del (p.Ser1262fs)

Gene: NF1 (neurofibromin 1; plus strand). Cytogenetic location: 17q11.2.
Variant type: Deletion.
Coding change: c.3784del on transcript NM_001042492.3 (MANE Select); coding-DNA position 3784, one base deleted (T; older notation c.3784delT).
Protein change: p.Ser1262fs; shifts the reading frame from serine 1262.
Molecular consequence: frameshift variant.
Genome position (GRCh38, 1-based): chr17:31,235,686, T deleted; the last of 4 consecutive T bases (chr17:31,235,683-31,235,686); deleting any one gives the same sequence. VCF-style (leftmost placement, unchanged base first): chr17-31235682-GT-G. GRCh37 (hg19) VCF-style: chr17-29562700-GT-G.
Other names: c.3784delT (NM_000267.3); c.3784delT, p.Ser1262Leufs (NM_000267.4); short protein forms S1262fs.
Identifiers: ClinVar variation 367 (VCV000000367.6), dbSNP rs1567852567, ClinGen allele CA891843820.